The following is an entry in ClinVar:

NM_182972.3(IRF2BP2):c.617del (p.Gly206fs)

Genes: IRF2BP2 (interferon regulatory factor 2 binding protein 2; minus strand), LOC129932811 (ATAC-STARR-seq lymphoblastoid silent region 1976; plus strand). Cytogenetic location: 1q42.3.
Variant type: Deletion.
Coding change: c.617del on transcript NM_182972.3 (MANE Select); coding-DNA position 617, one base deleted (G; older notation c.617delG).
Protein change: p.Gly206fs; shifts the reading frame from glycine 206.
Molecular consequence: frameshift variant.
Genome position (GRCh38, 1-based): chr1:234,608,878, C deleted on the plus strand (G on the coding strand, the reverse complement: IRF2BP2 is on the minus strand); the first of 2 consecutive C bases (chr1:234,608,878-234,608,879); deleting either gives the same sequence. VCF-style (leftmost placement, unchanged base first): chr1-234608877-GC-G. GRCh37 (hg19) VCF-style: chr1-234744623-GC-G.
Other names: c.617del, p.Gly206fs (NM_001077397.1); short protein forms G206fs.
Identifiers: ClinVar variation 3657215 (VCV003657215.2).

ClinVar aggregate classification (germline): Uncertain significance (1 of 4 stars; one submission).

Submission:

Labcorp Genetics (formerly Invitae), Labcorp
Classification: Uncertain significance. Last evaluated: 2024-06-21. Review status: criteria provided, single submitter. Criteria: Invitae Variant Classification Sherloc (09022015). Collection method: clinical testing. Allele origin: germline.
Comment: This sequence change creates a premature translational stop signal (p.Gly206Alafs*8) in the IRF2BP2 gene. It is expected to result in an absent or disrupted protein product. However, the current clinical and genetic evidence is not sufficient to establish whether loss-of-function variants in IRF2BP2 cause disease. This variant is not present in population databases (gnomAD no frequency). This variant has not been reported in the literature in individuals affected with IRF2BP2-related conditions. In summary, the available evidence is currently insufficient to determine the role of this variant in disease. Therefore, it has been classified as a Variant of Uncertain Significance.